The following is an entry in ClinVar:

ClinVar aggregate classification (germline): Uncertain significance (1 of 4 stars; one submission).

Conditions:
Polyglandular autoimmune syndrome, type 1 (APS1). Also called: PGA I; Autoimmune polyendocrinopathy syndrome , type I, with or without reversible metaphyseal dysplasia; HYPOADRENOCORTICISM WITH HYPOPARATHYROIDISM AND SUPERFICIAL MONILIASIS; Autoimmune polyendocrine syndrome type 1; Autoimmune polyendocrinopathy syndrome, type I; AUTOIMMUNE POLYENDOCRINE SYNDROME, TYPE I, WITH OR WITHOUT REVERSIBLE METAPHYSEAL DYSPLASIA. Identifiers: Orphanet 3453, MedGen C0085859, MONDO:0009411, OMIM 240300.

Allele frequency attached by ClinVar (database versions not stated): gnomAD 0.00002; TOPMed 0.00002; gnomAD exomes 0.00003; ExAC 0.00011.
gnomAD v4.1: 38 of 1,612,482 alleles (0.0024%); highest among the groups gnomAD compares: Admixed American, 0.018%; no homozygotes.

Submission:

Labcorp Genetics (formerly Invitae), Labcorp
Classification: Uncertain significance for Polyglandular autoimmune syndrome, type 1. Last evaluated: 2026-01-12. Review status: criteria provided, single submitter. Criteria: Invitae Variant Classification Sherloc (09022015). Collection method: clinical testing. Allele origin: germline.
Comment: This sequence change replaces alanine, which is neutral and non-polar, with valine, which is neutral and non-polar, at codon 142 of the AIRE protein (p.Ala142Val). This variant is present in population databases (rs779092108, gnomAD 0.03%). This variant has not been reported in the literature in individuals affected with AIRE-related conditions. ClinVar contains an entry for this variant (Variation ID: 2196854). Invitae Evidence Modeling of protein sequence and biophysical properties (such as structural, functional, and spatial information, amino acid conservation, physicochemical variation, residue mobility, and thermodynamic stability) indicates that this missense variant is not expected to disrupt AIRE protein function with a negative predictive value of 95%. In summary, the available evidence is currently insufficient to determine the role of this variant in disease. Therefore, it has been classified as a Variant of Uncertain Significance.

NM_000383.4(AIRE):c.425C>T (p.Ala142Val)

Gene: AIRE (autoimmune regulator; plus strand). Cytogenetic location: 21q22.3.
Variant type: single nucleotide variant.
Coding change: c.425C>T on transcript NM_000383.4 (MANE Select); coding-DNA position 425, C replaced by T.
Protein change: p.Ala142Val; replaces alanine 142 with valine.
Molecular consequence: missense variant.
Genome position (GRCh38, 1-based): chr21:44,287,095, C>T. VCF-style: chr21-44287095-C-T. GRCh37 (hg19) VCF-style: chr21-45706978-C-T.
Other names: short protein forms A142V.
Identifiers: ClinVar variation 2196854 (VCV002196854.4), dbSNP rs779092108, ClinGen allele CA10051554.